The following is an entry in ClinVar:

ClinVar aggregate classification (germline): Uncertain significance. Review status: criteria provided, multiple submitters, no conflicts (2 of 4 stars). 3 submissions from 3 submitters: Uncertain significance (3). Last evaluated 2024-08-16.

Conditions:
Cone-rod dystrophy. Also called: Cone/cone-rod dystrophy; Cone-rod degeneration. Identifiers: Orphanet 1872, MedGen C4085590, MONDO:0015993, HP:0000548.

Allele frequency attached by ClinVar (database versions not stated): gnomAD exomes below 0.00001 and 0.00001; ExAC 0.00001; gnomAD 0.00002 and 0.00003; TOPMed 0.00002.
gnomAD v4.1: 17 of 1,614,078 alleles (0.0011%); highest among the groups gnomAD compares: Admixed American, 0.0033%; no homozygotes.

Submissions (3):

GeneDx
Classification: Uncertain significance. Last evaluated: 2024-08-16. Review status: criteria provided, single submitter. Criteria: GeneDx Variant Classification Process June 2021. Collection method: clinical testing. Allele origin: germline. Affected: yes.
Comment: Not observed at significant frequency in large population cohorts (gnomAD); In silico analysis supports that this missense variant has a deleterious effect on protein structure/function; Has not been previously published as pathogenic or benign to our knowledge

Ambry Genetics
Classification: Uncertain significance. Last evaluated: 2023-11-14. Review status: criteria provided, single submitter. Criteria: Ambry Variant Classification Scheme 2023. Collection method: clinical testing. Allele origin: germline.

Illumina Laboratory Services, Illumina
Classification: Uncertain significance for Cone-rod dystrophy. Last evaluated: 2018-01-13. Review status: criteria provided, single submitter. Criteria: ICSL Variant Classification Criteria 13 December 2019. Collection method: clinical testing. Allele origin: germline.

NM_005148.4(UNC119):c.526G>A (p.Asp176Asn)

Gene: UNC119 (unc-119 lipid binding chaperone; minus strand). Cytogenetic location: 17q11.2.
Variant type: single nucleotide variant.
Coding change: c.526G>A on transcript NM_005148.4 (MANE Select); coding-DNA position 526, G replaced by A.
Protein change: p.Asp176Asn; replaces aspartic acid 176 with asparagine.
Molecular consequence: missense variant.
Genome position (GRCh38, 1-based): chr17:28,547,761, C>T on the plus strand (G>A on the coding strand, the complement: UNC119 is on the minus strand). VCF-style: chr17-28547761-C-T. GRCh37 (hg19) VCF-style: chr17-26874779-C-T.
Other names: c.241G>A, p.Asp81Asn (NM_001330166.2); c.526G>A, p.Asp176Asn (NM_054035.2); short protein forms D176N, D81N.
Identifiers: ClinVar variation 322462 (VCV000322462.7), dbSNP rs772710984, ClinGen allele CA8459756.